The following is an entry in ClinVar:

ClinVar aggregate classification (germline): Pathogenic/Likely pathogenic. Review status: criteria provided, multiple submitters, no conflicts (2 of 4 stars). 2 submissions from 2 submitters: Pathogenic (1); Likely pathogenic (1). Last evaluated 2022-02-04.

Conditions:
Catecholaminergic polymorphic ventricular tachycardia 3. Identifiers: Orphanet 3286, MedGen C3151463, MONDO:0013529, OMIM 614021.
Cardiovascular phenotype. Identifiers: MedGen CN230736.

Submissions (2):

Ambry Genetics
Classification: Pathogenic for Cardiovascular phenotype. Last evaluated: 2022-02-04. Review status: criteria provided, single submitter. Criteria: Ambry Variant Classification Scheme 2023. Collection method: clinical testing. Allele origin: germline.
Comment: The c.438delG pathogenic mutation, located in coding exon 5 of the TECRL gene, results from a deletion of one nucleotide at nucleotide position 438, causing a translational frameshift with a predicted alternate stop codon (p.L148Wfs*9). This variant is considered to be rare based on population cohorts in the Genome Aggregation Database (gnomAD). This alteration is expected to result in loss of function by premature protein truncation or nonsense-mediated mRNA decay. As such, this alteration is interpreted as a disease-causing mutation.

Juno Genomics, Hangzhou Juno Genomics, Inc
Classification: Likely pathogenic for Catecholaminergic polymorphic ventricular tachycardia 3. Review status: criteria provided, single submitter. Criteria: ACMG Guidelines, 2015. Collection method: clinical testing. Allele origin: germline.
Comment: Null variant in a gene where loss of function (LOF) is a known mechanism of disease.;Absent from controls (or at extremely low frequency if recessive) in Genome Aggregation Database.

NM_001010874.5(TECRL):c.438del (p.Leu148fs)

Gene: TECRL (trans-2,3-enoyl-CoA reductase like; minus strand). Cytogenetic location: 4q13.1.
Variant type: Deletion.
Coding change: c.438del on transcript NM_001010874.5 (MANE Select); coding-DNA position 438, one base deleted (G; older notation c.438delG).
Protein change: p.Leu148fs; shifts the reading frame from leucine 148.
Molecular consequence: frameshift variant.
Genome position (GRCh38, 1-based): chr4:64,314,761, C deleted on the plus strand (G on the coding strand, the reverse complement: TECRL is on the minus strand). VCF-style (leftmost placement, unchanged base first): chr4-64314760-AC-A. GRCh37 (hg19) VCF-style: chr4-65180478-AC-A.
Other names: c.438del, p.Leu148fs (NM_001363796.1); short protein forms L148fs.
Identifiers: ClinVar variation 1740205 (VCV001740205.4), dbSNP rs2476098813, ClinGen allele CA2580071788.